The following is an entry in ClinVar:

ClinVar aggregate classification (germline): Pathogenic/Likely pathogenic. Review status: criteria provided, multiple submitters, no conflicts (2 of 4 stars). 2 submissions from 2 submitters: Pathogenic (1); Likely pathogenic (1). Last evaluated 2022-11-19.

Conditions:
Inborn genetic diseases. Identifiers: MedGen C0950123, MeSH D030342.
Neurodevelopmental disorder with hypotonia, stereotypic hand movements, and impaired language. Also called: Intellectual disability, autosomal dominant 20. Identifiers: Orphanet 228384, Orphanet 664410, MedGen C3150700, MONDO:0013266, OMIM 613443.

Submissions (2):

Labcorp Genetics (formerly Invitae), Labcorp
Classification: Pathogenic for Neurodevelopmental disorder with hypotonia, stereotypic hand movements, and impaired language. Last evaluated: 2022-11-19. Review status: criteria provided, single submitter. Criteria: Invitae Variant Classification Sherloc (09022015). Collection method: clinical testing. Allele origin: germline.
Comment: This variant is also known as c.401_402+2del. For these reasons, this variant has been classified as Pathogenic. Algorithms developed to predict the effect of sequence changes on RNA splicing suggest that this variant may disrupt the consensus splice site. ClinVar contains an entry for this variant (Variation ID: 589844). This variant has not been reported in the literature in individuals affected with MEF2C-related conditions. This variant is not present in population databases (gnomAD no frequency). This sequence change creates a premature translational stop signal (p.Cys134Leufs*52) in the MEF2C gene. It is expected to result in an absent or disrupted protein product. Loss-of-function variants in MEF2C are known to be pathogenic (PMID: 20513142).

Ambry Genetics
Classification: Likely pathogenic for Inborn genetic diseases. Last evaluated: 2017-06-12. Review status: criteria provided, single submitter. Criteria: Ambry Variant Classification Scheme 2023. Collection method: clinical testing. Allele origin: germline.
Comment: The c.401_402+2delGTGT variant results from a deletion of 4 nucleotides located at positions 401 to 402 as well as the first 2 intronic nucleotides after coding exon 3 of the MEF2C gene, deleting the canonical donor splice site. These nucleotide positions are highly conserved in available vertebrate species. Using the BDGP and ESEfinder splice site prediction tools, this alteration is predicted to abolish the native donor splice site; however, direct evidence is unavailable. Alterations that disrupt the canonical splice donor site are typically deleterious in nature (ACMG Recommendations for Standards for Interpretation and Reporting of Sequence Variations. Revision 2007. Genet Med. 2008;10:294). As such, this variant is classified as likely pathogenic.

Literature cited by the submitters: PubMed 20513142 (cited by Labcorp Genetics (formerly Invitae), Labcorp).

NM_002397.5(MEF2C):c.401_402+2del

Gene: MEF2C (myocyte enhancer factor 2C; minus strand). Cytogenetic location: 5q14.3.
Variant type: Microsatellite.
Coding change: c.401_402+2del on transcript NM_002397.5 (MANE Select); coding-DNA position 401 through the canonical splice donor site of the intron after coding-DNA position 402, 4 bases deleted (GTGT; older notation c.401_402+2delGTGT).
Molecular consequence: splice donor variant. On other transcripts: intron variant (12).
Genome position (GRCh38, 1-based): chr5:88,761,183-88,761,186, ACAC deleted on the plus strand (GTGT on the coding strand, the reverse complement: MEF2C is on the minus strand); deleting any 4 consecutive bases within chr5:88,761,183-88,761,189 gives the same sequence; the c. name uses the placement nearest the transcript's 3' end. VCF-style (leftmost placement, unchanged base first): chr5-88761182-TACAC-T. GRCh37 (hg19) VCF-style: chr5-88056999-TACAC-T.
Other names: c.401_402+2del (NM_001364329.2, NM_001364330.2, NM_001364333.2 and 18 more transcripts); c.259-9143_259-9140del (NM_001364344.2, NM_001364354.2, NM_001364332.2 and 3 more transcripts); c.23_24+2del (NM_001364353.2, NM_001364356.2); c.259-61_259-58del (NM_001131005.2, NM_001364352.2, NM_001364343.2); c.319-61_319-58del (NM_001193347.1, NM_001364338.2); c.-24-9143_-24-9140del (NM_001364357.2).
Identifiers: ClinVar variation 589844 (VCV000589844.8), dbSNP rs1561875779, ClinGen allele CA891843048.